The following is an entry in ClinVar:

NM_001242896.3(DEPDC5):c.1663C>G (p.Arg555Gly)

Gene: DEPDC5 (DEP domain containing 5, GATOR1 subcomplex subunit; plus strand). Cytogenetic location: 22q12.3.
Variant type: single nucleotide variant.
Coding change: c.1663C>G on transcript NM_001242896.3 (MANE Select); coding-DNA position 1663, C replaced by G.
Protein change: p.Arg555Gly; replaces arginine 555 with glycine.
Molecular consequence: missense variant. On other transcripts: non-coding transcript variant (5).
Genome position (GRCh38, 1-based): chr22:31,815,209, C>G. VCF-style: chr22-31815209-C-G. GRCh37 (hg19) VCF-style: chr22-32211195-C-G.
Other names: c.1663C>G, p.Arg555Gly (NM_001007188.4, NM_001136029.4, NM_001242897.2 and 7 more transcripts); c.1579C>G, p.Arg527Gly (NM_001369901.1, NM_001369902.1); c.1663C>G (NM_001242896.1); short protein forms R527G, R555G.
Identifiers: ClinVar variation 2054415 (VCV002054415.5), dbSNP rs587776973, ClinGen allele CA10196411.

ClinVar aggregate classification (germline): Uncertain significance. Review status: criteria provided, multiple submitters, no conflicts (2 of 4 stars). 2 submissions from 2 submitters: Uncertain significance (2). Last evaluated 2026-06-24.

Conditions:
Inborn genetic diseases. Identifiers: MedGen C0950123, MeSH D030342.
Familial focal epilepsy with variable foci (FPEVF). Identifiers: Orphanet 98820, MedGen C1858477, MONDO:0020310.

Allele frequency attached by ClinVar (database versions not stated): ExAC 0.00001.
gnomAD v4.1: 2 of 1,614,026 alleles (0.00012%); highest among the groups gnomAD compares: Admixed American, 0.0033%; no homozygotes.

Submissions (2):

Ambry Genetics
Classification: Uncertain significance for Inborn genetic diseases. Last evaluated: 2026-06-24. Review status: criteria provided, single submitter. Criteria: Ambry Variant Classification Scheme 2023. Collection method: clinical testing. Allele origin: germline.
Comment: The c.1663C>G (p.R555G) alteration is located in exon 21 (coding exon 20) of the DEPDC5 gene. This alteration results from a C to G substitution at nucleotide position 1663, causing the arginine (R) at amino acid position 555 to be replaced by a glycine (G). Based on data from gnomAD, the G allele has an overall frequency of <0.001% (1/249412) total alleles studied. The highest observed frequency was 0.003% (1/34528) of Latino alleles. Based on insufficient or conflicting evidence, the clinical significance of this alteration remains unclear.

Labcorp Genetics (formerly Invitae), Labcorp
Classification: Uncertain significance for Familial focal epilepsy with variable foci. Last evaluated: 2025-04-09. Review status: criteria provided, single submitter. Criteria: Invitae Variant Classification Sherloc (09022015). Collection method: clinical testing. Allele origin: germline.
Comment: This sequence change replaces arginine, which is basic and polar, with glycine, which is neutral and non-polar, at codon 555 of the DEPDC5 protein (p.Arg555Gly). This variant is present in population databases (rs587776973, gnomAD 0.003%). This variant has not been reported in the literature in individuals affected with DEPDC5-related conditions. ClinVar contains an entry for this variant (Variation ID: 2054415). Experimental studies and prediction algorithms are not available or were not evaluated, and the functional significance of this variant is currently unknown. In summary, the available evidence is currently insufficient to determine the role of this variant in disease. Therefore, it has been classified as a Variant of Uncertain Significance.